The following is an entry in ClinVar:

NM_000038.6(APC):c.8039C>A (p.Pro2680His)

Gene: APC (APC regulator of Wnt signaling pathway; plus strand). Cytogenetic location: 5q22.2.
Variant type: single nucleotide variant.
Coding change: c.8039C>A on transcript NM_000038.6 (MANE Select); coding-DNA position 8039, C replaced by A.
Protein change: p.Pro2680His; replaces proline 2680 with histidine.
Molecular consequence: missense variant. On other transcripts: non-coding transcript variant (2).
Genome position (GRCh38, 1-based): chr5:112,843,633, C>A. VCF-style: chr5-112843633-C-A. GRCh37 (hg19) VCF-style: chr5-112179330-C-A.
Other names: c.8039C>A, p.Pro2680His (NM_001127510.3, NM_001354895.2, NM_001407450.1); c.7985C>A, p.Pro2662His (NM_001127511.3); c.8093C>A, p.Pro2698His (NM_001354896.2, NM_001407447.1, NM_001407448.1 and 1 more transcripts); c.8069C>A, p.Pro2690His (NM_001354897.2); c.7964C>A, p.Pro2655His (NM_001354898.2); c.7955C>A, p.Pro2652His (NM_001354899.2); c.7916C>A, p.Pro2639His (NM_001354900.2); c.7862C>A, p.Pro2621His (NM_001354901.2, NM_001407453.1); and 11 more; short protein forms P2397H, P2520H, P2551H, P2554H, P2652H, P2662H, P2673H, P2698H.
Identifiers: ClinVar variation 2892386 (VCV002892386.3), dbSNP rs2149998266, ClinGen allele CA16038786.

ClinVar aggregate classification (germline): Uncertain significance (1 of 4 stars; one submission).

Conditions:
Familial adenomatous polyposis 1 (FAP1). Also called: FAMILIAL ADENOMATOUS POLYPOSIS 1, ATTENUATED; POLYPOSIS, ADENOMATOUS INTESTINAL. Identifiers: MedGen C2713442, MONDO:0021056, OMIM 175100. Disease mechanism: loss of function.

Submission:

Labcorp Genetics (formerly Invitae), Labcorp
Classification: Uncertain significance for Familial adenomatous polyposis 1. Last evaluated: 2023-11-02. Review status: criteria provided, single submitter. Criteria: Invitae Variant Classification Sherloc (09022015). Collection method: clinical testing. Allele origin: germline.
Comment: This sequence change replaces proline, which is neutral and non-polar, with histidine, which is basic and polar, at codon 2680 of the APC protein (p.Pro2680His). This variant is not present in population databases (gnomAD no frequency). This variant has not been reported in the literature in individuals affected with APC-related conditions. Advanced modeling of protein sequence and biophysical properties (such as structural, functional, and spatial information, amino acid conservation, physicochemical variation, residue mobility, and thermodynamic stability) performed at Invitae indicates that this missense variant is not expected to disrupt APC protein function with a negative predictive value of 95%. In summary, the available evidence is currently insufficient to determine the role of this variant in disease. Therefore, it has been classified as a Variant of Uncertain Significance.